The following is an entry in ClinVar:

ClinVar aggregate classification (germline): Uncertain significance (1 of 4 stars; one submission).

Conditions:
Hereditary cancer-predisposing syndrome. Also called: Tumor predisposition; Hereditary Cancer Syndrome; Neoplastic Syndromes, Hereditary; Hereditary neoplastic syndrome. Identifiers: Orphanet 140162, MedGen C0027672, MeSH D009386, MONDO:0015356.

Submission:

Ambry Genetics
Classification: Uncertain significance for Hereditary cancer-predisposing syndrome. Last evaluated: 2022-03-07. Review status: criteria provided, single submitter. Criteria: Ambry Variant Classification Scheme 2023. Collection method: clinical testing. Allele origin: germline.
Comment: The p.N945D variant (also known as c.2833A>G), located in coding exon 17 of the ALK gene, results from an A to G substitution at nucleotide position 2833. The asparagine at codon 945 is replaced by aspartic acid, an amino acid with highly similar properties. This amino acid position is conserved. In addition, this alteration is predicted to be tolerated by in silico analysis. Since supporting evidence is limited at this time, the clinical significance of this alteration remains unclear.

NM_004304.5(ALK):c.2833A>G (p.Asn945Asp)

Gene: ALK (ALK receptor tyrosine kinase; minus strand). Cytogenetic location: 2p23.2.
Variant type: single nucleotide variant.
Coding change: c.2833A>G on transcript NM_004304.5 (MANE Select); coding-DNA position 2833, A replaced by G.
Protein change: p.Asn945Asp; replaces asparagine 945 with aspartic acid.
Molecular consequence: missense variant.
Genome position (GRCh38, 1-based): chr2:29,227,655, T>C on the plus strand (A>G on the coding strand, the complement: ALK is on the minus strand). VCF-style: chr2-29227655-T-C. GRCh37 (hg19) VCF-style: chr2-29450521-T-C.
Other names: short protein forms N945D.
Identifiers: ClinVar variation 1796610 (VCV001796610.2), dbSNP rs2465973692, ClinGen allele CA346468816.